The following is an entry in ClinVar:

NM_016139.4(CHCHD2):c.145_147delinsTCC (p.Ala49Ser)

Gene: CHCHD2 (coiled-coil-helix-coiled-coil-helix domain containing 2; minus strand). Cytogenetic location: 7p11.2.
Variant type: Indel.
Coding change: c.145_147delinsTCC on transcript NM_016139.4 (MANE Select); coding-DNA positions 145 to 147, GCG replaced by TCC.
Protein change: p.Ala49Ser; replaces alanine 49 with serine.
Molecular consequence: missense variant.
Genome position (GRCh38, 1-based): chr7:56,104,379-56,104,381, CGC replaced by GGA on the plus strand (GCG replaced by TCC on the coding strand, the reverse complement: CHCHD2 is on the minus strand). VCF-style: chr7-56104379-CGC-GGA. GRCh37 (hg19) VCF-style: chr7-56172072-CGC-GGA.
Other names: c.145_147delinsTCC, p.Ala49Ser (NM_001320327.2); short protein forms A49S.
Identifiers: ClinVar variation 2497838 (VCV002497838.1), dbSNP rs2535863401, ClinGen allele CA2580077264.
Genomic context (GRCh38, chr7:56,104,379, plus strand): 5'-GCCCACAGCCACGCCAGCTGCAGTGGTTGCCATCTGGGCCATCAGACCTGGCTGCCGGGG[CGC>GGA]AGCAGCAGAAGAGCCAACTGCAGATGGGGGTGCCGCTGCTGGTGGCTGAGCGACTGGTGC-3'
Protein context (NP_057223.1, residues 39-59): PPSAVGSSAA[Ala49Ser]PRQPGLMAQM

ClinVar aggregate classification (germline): Uncertain significance (1 of 4 stars; one submission).

Submission:

GeneDx
Classification: Uncertain significance. Last evaluated: 2022-10-06. Review status: criteria provided, single submitter. Criteria: GeneDx Variant Classification Process June 2021. Collection method: clinical testing. Allele origin: germline. Affected: yes.
Comment: Not observed at significant frequency in large population cohorts (gnomAD); In silico analysis supports that this variant does not alter protein structure/function; Has not been previously published as pathogenic or benign to our knowledge